The following is an entry in ClinVar:

NM_001009944.3(PKD1):c.2806C>T (p.Arg936Cys)

Gene: PKD1 (polycystin 1, transient receptor potential channel interacting; minus strand). Cytogenetic location: 16p13.3.
Variant type: single nucleotide variant.
Coding change: c.2806C>T on transcript NM_001009944.3 (MANE Select); coding-DNA position 2806, C replaced by T.
Protein change: p.Arg936Cys; replaces arginine 936 with cysteine.
Molecular consequence: missense variant.
Genome position (GRCh38, 1-based): chr16:2,114,217, G>A on the plus strand (C>T on the coding strand, the complement: PKD1 is on the minus strand). VCF-style: chr16-2114217-G-A. GRCh37 (hg19) VCF-style: chr16-2164218-G-A.
Other names: c.2806C>T, p.Arg936Cys (NM_000296.4); short protein forms R936C.
Identifiers: ClinVar variation 426301 (VCV000426301.3), dbSNP rs1085307552, ClinGen allele CA394386732.
Genomic context (GRCh38, chr16:2,114,217, plus strand): 5'-CGGCCATACTCACCACTAGGACTCCCTGCAGTACACGGGCCTCGGGGCTGGGCGTGGCGC[G>A]GAGGCCACAGATGGGCTCCTCCGCCGTCACCCGCAGGCTGAGGTTGGCCCGGCTGGCGCT-3'
Protein context (NP_001009944.3, residues 926-946): VTAEEPICGL[Arg936Cys]ATPSPEARVL

ClinVar aggregate classification (germline): Uncertain significance. Review status: criteria provided, multiple submitters, no conflicts (2 of 4 stars). 2 submissions from 2 submitters: Uncertain significance (2). Last evaluated 2021-10-29.

Conditions:
Polycystic kidney disease, adult type (PKD1). Also called: Polycystic Kidney Disease 1, Autosomal Dominant; Polycystic kidney disease 1; Polycystic kidney disease 1, severe; Polycystic Kidney, Autosomal Dominant; POLYCYSTIC KIDNEY DISEASE, ADULT, TYPE I; POLYCYSTIC KIDNEY DISEASE 1 WITH OR WITHOUT POLYCYSTIC LIVER DISEASE. Identifiers: MedGen C3149841, MONDO:0008263, OMIM 173900.

Allele frequency attached by ClinVar (database versions not stated): TOPMed 0.00001; gnomAD exomes 0.00002 and 0.00003.
gnomAD v4.1: 40 of 1,609,602 alleles (0.0025%); highest among the groups gnomAD compares: Non-Finnish European, 0.003%; no homozygotes.

Submissions (2):

Fulgent Genetics
Classification: Uncertain significance for Polycystic kidney disease, adult type. Last evaluated: 2021-10-29. Review status: criteria provided, single submitter. Criteria: ACMG Guidelines, 2015. Collection method: clinical testing. Allele origin: unknown.

GeneDx
Classification: Uncertain significance. Last evaluated: 2017-04-20. Review status: criteria provided, single submitter. Criteria: GeneDx Variant Classification (06012015). Collection method: clinical testing. Allele origin: germline. Affected: yes.
Comment: The R936C variant in the PKD1 gene has not been reported previously as a pathogenic variant, nor as a benign variant, to our knowledge. The R936C variant is not observed in large population cohorts (Lek et al., 2016; 1000 Genomes Consortium et al., 2015; Exome Variant Server). The R936C variant is a non-conservative amino acid substitution, which is likely to impact secondary protein structure as these residues differ in polarity, charge, size and/or other properties. However, this substitution occurs at a position that is not conserved, and in silico analysis is inconsistent in its predictions as to whether or not the variant is damaging to the protein structure/function. We interpret R936C as a variant of uncertain significance.